The following is an entry in ClinVar:

ClinVar aggregate classification (germline): Uncertain significance (1 of 4 stars; one submission).

Submission:

GeneDx
Classification: Uncertain significance. Last evaluated: 2024-04-04. Review status: criteria provided, single submitter. Criteria: GeneDx Variant Classification Process June 2021. Collection method: clinical testing. Allele origin: germline. Affected: yes.
Comment: Not observed at significant frequency in large population cohorts (gnomAD); In silico analysis indicates that this missense variant does not alter protein structure/function; Has not been previously published as pathogenic or benign to our knowledge

NM_030632.3(ASXL3):c.3424T>A (p.Leu1142Ile)

Gene: ASXL3 (ASXL transcriptional regulator 3; plus strand). Cytogenetic location: 18q12.1.
Variant type: single nucleotide variant.
Coding change: c.3424T>A on transcript NM_030632.3 (MANE Select); coding-DNA position 3424, T replaced by A.
Protein change: p.Leu1142Ile; replaces leucine 1142 with isoleucine.
Molecular consequence: missense variant.
Genome position (GRCh38, 1-based): chr18:33,743,272, T>A. VCF-style: chr18-33743272-T-A. GRCh37 (hg19) VCF-style: chr18-31323236-T-A.
Other names: short protein forms L1142I.
Identifiers: ClinVar variation 3371679 (VCV003371679.1).